The following is an entry in ClinVar:

ClinVar aggregate classification (germline): Uncertain significance (1 of 4 stars; one submission).

Allele frequency attached by ClinVar (database versions not stated): TOPMed below 0.00001.

Submission:

Labcorp Genetics (formerly Invitae), Labcorp
Classification: Uncertain significance. Last evaluated: 2022-07-22. Review status: criteria provided, single submitter. Criteria: Invitae Variant Classification Sherloc (09022015). Collection method: clinical testing. Allele origin: germline.
Comment: In summary, the available evidence is currently insufficient to determine the role of this variant in disease. Therefore, it has been classified as a Variant of Uncertain Significance. Algorithms developed to predict the effect of missense changes on protein structure and function are either unavailable or do not agree on the potential impact of this missense change (SIFT: "Tolerated"; PolyPhen-2: "Possibly Damaging"; Align-GVGD: "Class C0"). This variant has not been reported in the literature in individuals affected with SNRNP200-related conditions. This variant is not present in population databases (gnomAD no frequency). This sequence change replaces histidine, which is basic and polar, with asparagine, which is neutral and polar, at codon 1659 of the SNRNP200 protein (p.His1659Asn).

NM_014014.5(SNRNP200):c.4975C>A (p.His1659Asn)

Gene: SNRNP200 (small nuclear ribonucleoprotein U5 subunit 200; minus strand). Cytogenetic location: 2q11.2.
Variant type: single nucleotide variant.
Coding change: c.4975C>A on transcript NM_014014.5 (MANE Select); coding-DNA position 4975, C replaced by A.
Protein change: p.His1659Asn; replaces histidine 1659 with asparagine.
Molecular consequence: missense variant.
Genome position (GRCh38, 1-based): chr2:96,281,863, G>T on the plus strand (C>A on the coding strand, the complement: SNRNP200 is on the minus strand). VCF-style: chr2-96281863-G-T. GRCh37 (hg19) VCF-style: chr2-96947601-G-T.
Other names: short protein forms H1659N.
Identifiers: ClinVar variation 1713331 (VCV001713331.5), dbSNP rs1263800131, ClinGen allele CA347662275.